The following is an entry in ClinVar:

ClinVar aggregate classification (germline): Uncertain significance (1 of 4 stars; one submission).

Submission:

Labcorp Genetics (formerly Invitae), Labcorp
Classification: Uncertain significance. Last evaluated: 2021-10-25. Review status: criteria provided, single submitter. Criteria: Invitae Variant Classification Sherloc (09022015). Collection method: clinical testing. Allele origin: germline.
Comment: In summary, the available evidence is currently insufficient to determine the role of this variant in disease. Therefore, it has been classified as a Variant of Uncertain Significance. Algorithms developed to predict the effect of missense changes on protein structure and function are either unavailable or do not agree on the potential impact of this missense change (SIFT: "Deleterious"; PolyPhen-2: "Probably Damaging"; Align-GVGD: "Class C0"). This variant has not been reported in the literature in individuals affected with GTPBP2-related conditions. This variant is not present in population databases (ExAC no frequency). This sequence change replaces proline with leucine at codon 60 of the GTPBP2 protein (p.Pro60Leu). The proline residue is highly conserved and there is a moderate physicochemical difference between proline and leucine.

NM_019096.5(GTPBP2):c.179C>T (p.Pro60Leu)

Genes: GTPBP2 (GTP binding protein 2; minus strand), LOC129996522 (ATAC-STARR-seq lymphoblastoid silent region 17237; plus strand). Cytogenetic location: 6p21.1.
Variant type: single nucleotide variant.
Coding change: c.179C>T on transcript NM_019096.5 (MANE Select); coding-DNA position 179, C replaced by T.
Protein change: p.Pro60Leu; replaces proline 60 with leucine.
Molecular consequence: missense variant.
Genome position (GRCh38, 1-based): chr6:43,628,984, G>A on the plus strand (C>T on the coding strand, the complement: GTPBP2 is on the minus strand). VCF-style: chr6-43628984-G-A. GRCh37 (hg19) VCF-style: chr6-43596721-G-A.
Other names: short protein forms P60L.
Identifiers: ClinVar variation 1430965 (VCV001430965.45), dbSNP rs2127849333, ClinGen allele CA364281139.